The following is an entry in ClinVar:

ClinVar aggregate classification (germline): Likely pathogenic (1 of 4 stars; one submission).

Conditions:
PDZD7-related disorder. Also called: PDZD7-related condition; PDZD7-related disorders.

Submission:

PreventionGenetics, part of Exact Sciences
Classification: Likely pathogenic for PDZD7-related condition. Last evaluated: 2026-09-11. Review status: criteria provided, single submitter. Criteria: ACMG Guidelines, 2015. Collection method: clinical testing. Allele origin: germline.
Comment: The PDZD7 c.1455delC variant is predicted to result in a frameshift and premature protein termination (p.Arg486Glufs*20). To our knowledge, this variant has not been reported in the literature or in a large population database (gnomAD), indicating this variant is rare. Frameshift variants in PDZD7 are expected to be pathogenic. This variant is interpreted as likely pathogenic.

NM_001195263.2(PDZD7):c.1455del (p.Arg486fs)

Gene: PDZD7 (PDZ domain containing 7; minus strand). Cytogenetic location: 10q24.31.
Variant type: Deletion.
Coding change: c.1455del on transcript NM_001195263.2 (MANE Select); coding-DNA position 1455, one base deleted (C; older notation c.1455delC).
Protein change: p.Arg486fs; shifts the reading frame from arginine 486.
Molecular consequence: frameshift variant.
Genome position (GRCh38, 1-based): chr10:101,018,166, G deleted on the plus strand (C on the coding strand, the reverse complement: PDZD7 is on the minus strand). VCF-style (leftmost placement, unchanged base first): chr10-101018165-TG-T. GRCh37 (hg19) VCF-style: chr10-102777922-TG-T.
Other names: c.1483del, p.Gln495fs (NM_001351044.2); c.1455del, p.Arg486fs (NM_001437429.1, NM_024895.5); short protein forms R486fs, Q495fs.
Identifiers: ClinVar variation 4994855 (VCV004994855.1).